The following is an entry in ClinVar:

NM_015175.3(NBEAL2):c.6877G>A (p.Ala2293Thr)

Gene: NBEAL2 (neurobeachin like 2; plus strand). Cytogenetic location: 3p21.31.
Variant type: single nucleotide variant.
Coding change: c.6877G>A on transcript NM_015175.3 (MANE Select); coding-DNA position 6877, G replaced by A.
Protein change: p.Ala2293Thr; replaces alanine 2293 with threonine.
Molecular consequence: missense variant.
Genome position (GRCh38, 1-based): chr3:47,006,021, G>A. VCF-style: chr3-47006021-G-A. GRCh37 (hg19) VCF-style: chr3-47047511-G-A.
Other names: c.6775G>A, p.Ala2259Thr (NM_001365116.2); short protein forms A2259T, A2293T.
Identifiers: ClinVar variation 1703782 (VCV001703782.2), dbSNP rs2037415464, ClinGen allele CA352536570.

ClinVar aggregate classification (germline): Likely pathogenic (1 of 4 stars; one submission).

Conditions:
Gray platelet syndrome (GPS). Also called: BLEEDING DISORDER, PLATELET-TYPE, 4. Identifiers: Orphanet 721, MedGen C0272302, MONDO:0007686, OMIM 139090.

Allele frequency attached by ClinVar (database versions not stated): gnomAD exomes below 0.00001; gnomAD 0.00001.
gnomAD v4.1: 7 of 1,613,626 alleles (0.00043%); highest among the groups gnomAD compares: Non-Finnish European, 0.00051%; no homozygotes.

Submission:

ISTH-SSC Genomics in Thrombosis and Hemostasis, KU Leuven, Center for Molecular and Vascular Biology
Classification: Likely pathogenic for Gray platelet syndrome. Review status: criteria provided, single submitter. Criteria: ACMG Guidelines, 2015. Collection method: clinical testing. Allele origin: germline. Affected: yes. Observed: 1 homozygote.
Comment: Submitted to GoldVariant by Jose María Bastida and José Rivera; Grupo Español de Alteraciones Plaquetarias Congénitas (GEAPC)